The following is an entry in ClinVar:

ClinVar aggregate classification (germline): Pathogenic (1 of 4 stars; one submission).

Conditions:
Cystic fibrosis (CF). Also called: MUCOVISCIDOSIS. Identifiers: Orphanet 586, MedGen C0010674, MONDO:0009061, OMIM 219700. Disease mechanism: loss of function.

Submission:

Labcorp Genetics (formerly Invitae), Labcorp
Classification: Pathogenic for Cystic fibrosis. Last evaluated: 2020-09-06. Review status: criteria provided, single submitter. Criteria: Invitae Variant Classification Sherloc (09022015). Collection method: clinical testing. Allele origin: germline.
Comment: For these reasons, this variant has been classified as Pathogenic. Loss-of-function variants in CFTR are known to be pathogenic (PMID: 1695717, 7691345, 9725922). This variant has not been reported in the literature in individuals with CFTR-related conditions. This variant is an out-of-frame deletion of the genomic region encompassing exon(s) 5-7 of the CFTR gene. This is expected to create a premature translational stop signal and result in an absent or disrupted protein product.

Literature cited by the submitters: PubMed 1695717; PubMed 7691345; PubMed 9725922.

NC_000007.13:g.(?_117174320)_(117176752_?)del

Gene: CFTR (CF transmembrane conductance regulator; plus strand). Cytogenetic location: 7q31.2.
Variant type: Deletion.
Identifiers: ClinVar variation 1070382 (VCV001070382.5).